The following is an entry in ClinVar:

ClinVar aggregate classification (germline): Pathogenic/Likely pathogenic. Review status: criteria provided, multiple submitters, no conflicts (2 of 4 stars). 3 submissions from 3 submitters: Pathogenic (1); Likely pathogenic (1). 1 of the submissions does not count toward it. Last evaluated 2022-08-06.

Conditions:
Joubert syndrome. Also called: Familial aplasia of the vermis; JOUBERT-BOLTSHAUSER SYNDROME. Identifiers: Orphanet 475, MedGen C5979921, MONDO:0018772.
Meckel-Gruber syndrome. Also called: Dysencephalia splachnocystica; DYSENCEPHALIA SPLANCHNOCYSTICA; GRUBER SYNDROME. Identifiers: Orphanet 564, MedGen C0265215, MONDO:0018921.
RPGRIP1L-related disorder. Also called: RPGRIP1L-related condition; RPGRIP1L-related disorders. Identifiers: MedGen CN239416.

Submissions (3):

Labcorp Genetics (formerly Invitae), Labcorp
Classification: Pathogenic for Joubert syndrome; Meckel-Gruber syndrome. Last evaluated: 2022-08-06. Review status: criteria provided, single submitter. Criteria: Invitae Variant Classification Sherloc (09022015). Collection method: clinical testing. Allele origin: germline.
Comment: For these reasons, this variant has been classified as Pathogenic. This variant has not been reported in the literature in individuals affected with RPGRIP1L-related conditions. This variant is not present in population databases (gnomAD no frequency). This sequence change creates a premature translational stop signal (p.Gln778*) in the RPGRIP1L gene. It is expected to result in an absent or disrupted protein product. Loss-of-function variants in RPGRIP1L are known to be pathogenic (PMID: 17558409).

Blueprint Genetics
Classification: Likely pathogenic for RPGRIP1L-related disorders. Last evaluated: 2022-02-01. Review status: criteria provided, single submitter. Criteria: ACMG Guidelines, 2015. Collection method: clinical testing. Allele origin: germline. Affected: yes. Observed: 1 variant allele.

PreventionGenetics, part of Exact Sciences
Classification: Likely pathogenic for RPGRIP1L-related condition. Last evaluated: 2023-11-27. Review status: no assertion criteria provided. Collection method: clinical testing. Allele origin: germline. Not counted in ClinVar's aggregate classification.
Comment: The RPGRIP1L c.2332C>T variant is predicted to result in premature protein termination (p.Gln778*). To our knowledge, this variant has not been reported in the literature or in a large population database, indicating this variant is rare. Nonsense variants in RPGRIP1L are expected to be pathogenic. This variant is interpreted as likely pathogenic.

Literature cited by the submitters: PubMed 17558409 (cited by Labcorp Genetics (formerly Invitae), Labcorp).

NM_015272.5(RPGRIP1L):c.2332C>T (p.Gln778Ter)

Gene: RPGRIP1L (RPGRIP1 like; minus strand). Cytogenetic location: 16q12.2.
Variant type: single nucleotide variant.
Coding change: c.2332C>T on transcript NM_015272.5 (MANE Select); coding-DNA position 2332, C replaced by T.
Protein change: p.Gln778Ter; replaces glutamine 778 with a stop codon.
Molecular consequence: nonsense.
Genome position (GRCh38, 1-based): chr16:53,645,976, G>A on the plus strand (C>T on the coding strand, the complement: RPGRIP1L is on the minus strand). VCF-style: chr16-53645976-G-A. GRCh37 (hg19) VCF-style: chr16-53679888-G-A.
Other names: c.2332C>T (NM_015272.4); c.2332C>T, p.Gln778Ter (NM_001127897.4, NM_001308334.3, NM_001330538.2); short protein forms Q778*.
Identifiers: ClinVar variation 2161046 (VCV002161046.6), dbSNP rs2544109431, ClinGen allele CA395914848.